The following is an entry in ClinVar:

ClinVar aggregate classification (germline): Likely benign (1 of 4 stars; one submission).

Conditions:
Rhizomelic chondrodysplasia punctata type 3 (RCDP3). Also called: ALKYLDIHYDROXYACETONEPHOSPHATE SYNTHASE DEFICIENCY; Alkylglycerone Phosphate Synthase (AGPS) deficiency. Identifiers: Orphanet 177, Orphanet 309803, MedGen C1838612, MONDO:0010823, OMIM 600121. Disease mechanism: loss of function.

Allele frequency attached by ClinVar (database versions not stated): gnomAD 0.00003 and 0.00044; TOPMed 0.00009; 1000 Genomes Project 30x 0.00234; 1000 Genomes Project 0.00240.

Submission:

Illumina Laboratory Services, Illumina
Classification: Likely benign for Rhizomelic chondrodysplasia punctata type 3. Last evaluated: 2018-01-12. Review status: criteria provided, single submitter. Criteria: ICSL Variant Classification Criteria 13 December 2019. Collection method: clinical testing. Allele origin: germline.
Comment: This variant was observed in the ICSL laboratory as part of a predisposition screen in an ostensibly healthy population. It had not been previously curated by ICSL or reported in the Human Gene Mutation Database (HGMD: prior to June 1st, 2018), and was therefore a candidate for classification through an automated scoring system. Utilizing variant allele frequency, disease prevalence and penetrance estimates, and inheritance mode, an automated score was calculated to assess if this variant is too frequent to cause the disease. Based on the score and internal cut-off values, a variant classified as likely benign is not then subjected to further curation. The score for this variant resulted in a classification of likely benign for this disease.

NM_003659.4(AGPS):c.*3073A>G

Gene: AGPS (alkylglycerone phosphate synthase; plus strand). Cytogenetic location: 2q31.2.
Variant type: single nucleotide variant.
Coding change: c.*3073A>G on transcript NM_003659.4 (MANE Select); 3073 bases downstream of the stop codon, A replaced by G.
Molecular consequence: 3 prime UTR variant.
Genome position (GRCh38, 1-based): chr2:177,541,268, A>G. VCF-style: chr2-177541268-A-G. GRCh37 (hg19) VCF-style: chr2-178405996-A-G.
Identifiers: ClinVar variation 332580 (VCV000332580.5), dbSNP rs532442888, ClinGen allele CA10613150.
Genomic context (GRCh38, chr2:177,541,268, plus strand): 5'-AGATACAGATGGTTGCAAGGAAACCTTTTCCCCCACTAGAATAGTCTATTAGTAACTGCT[A>G]AGTCCTAGCTTGCATTTTTGAAAATGCCTTTCTGCATGTTAGCACCCAGACTTTCCTTTG-3'